The following is an entry in ClinVar:

ClinVar aggregate classification (germline): Uncertain significance (1 of 4 stars; one submission).

Conditions:
Hereditary spastic paraplegia 39 (SPG39). Also called: SPASTIC PARAPLEGIA 39, AUTOSOMAL RECESSIVE; Spastic Paraplegia Type 39 (SPG39). Identifiers: Orphanet 139480, MedGen C2677586, MONDO:0012787, OMIM 612020.

Submission:

Labcorp Genetics (formerly Invitae), Labcorp
Classification: Uncertain significance for Hereditary spastic paraplegia 39. Last evaluated: 2022-03-26. Review status: criteria provided, single submitter. Criteria: Invitae Variant Classification Sherloc (09022015). Collection method: clinical testing. Allele origin: germline.
Comment: In summary, the available evidence is currently insufficient to determine the role of this variant in disease. Therefore, it has been classified as a Variant of Uncertain Significance. Algorithms developed to predict the effect of sequence changes on RNA splicing suggest that this variant may create or strengthen a splice site. This variant has not been reported in the literature in individuals affected with PNPLA6-related conditions. This variant is not present in population databases (gnomAD no frequency). This sequence change falls in intron 4 of the PNPLA6 gene. It does not directly change the encoded amino acid sequence of the PNPLA6 protein.

NM_001166114.2(PNPLA6):c.233-16C>G

Gene: PNPLA6 (patatin like domain 6, lysophospholipase; plus strand). Cytogenetic location: 19p13.2.
Variant type: single nucleotide variant.
Coding change: c.233-16C>G on transcript NM_001166114.2 (MANE Select); 16 bases into the intron before coding-DNA position 233, C replaced by G.
Molecular consequence: intron variant.
Genome position (GRCh38, 1-based): chr19:7,536,175, C>G. VCF-style: chr19-7536175-C-G. GRCh37 (hg19) VCF-style: chr19-7601061-C-G.
Other names: c.116-16C>G (NM_006702.5, NM_001166112.2, NM_001166113.1); c.260-16C>G (NM_001166111.2).
Identifiers: ClinVar variation 1945588 (VCV001945588.5), dbSNP rs2512487296, ClinGen allele CA2580097213.